The following is an entry in ClinVar:

NM_001127453.2(GSDME):c.553G>A (p.Gly185Ser)

Gene: GSDME (gasdermin E; minus strand). Cytogenetic location: 7p15.3.
Variant type: single nucleotide variant.
Coding change: c.553G>A on transcript NM_001127453.2 (MANE Select); coding-DNA position 553, G replaced by A.
Protein change: p.Gly185Ser; replaces glycine 185 with serine.
Molecular consequence: missense variant.
Genome position (GRCh38, 1-based): chr7:24,719,070, C>T on the plus strand (G>A on the coding strand, the complement: GSDME is on the minus strand). VCF-style: chr7-24719070-C-T. GRCh37 (hg19) VCF-style: chr7-24758689-C-T.
Other names: c.61G>A, p.Gly21Ser (NM_001127454.2); c.553G>A, p.Gly185Ser (NM_004403.3); short protein forms G185S, G21S.
Identifiers: ClinVar variation 178335 (VCV000178335.11), dbSNP rs376265514, ClinGen allele CA182130.

ClinVar aggregate classification (germline): Uncertain significance. Review status: criteria provided, multiple submitters, no conflicts (2 of 4 stars). 4 submissions from 4 submitters: Uncertain significance (4). Last evaluated 2026-02-04.

Conditions:
GSDME-related disorder. Also called: GSDME-related condition.
Inborn genetic diseases. Identifiers: MedGen C0950123, MeSH D030342.

Allele frequency attached by ClinVar (database versions not stated): gnomAD 0.00002 and 0.00003; gnomAD exomes 0.00003 and 0.00004; TOPMed 0.00003; ExAC 0.00004; ESP Exome Variant Server 0.00008.
gnomAD v4.1: 42 of 1,613,024 alleles (0.0026%); highest among the groups gnomAD compares: Middle Eastern, 0.038%; no homozygotes.

Submissions (4):

GeneDx
Classification: Uncertain significance. Last evaluated: 2026-02-04. Review status: criteria provided, single submitter. Criteria: GeneDx Variant Classification Process June 2021. Collection method: clinical testing. Allele origin: germline. Affected: yes.
Comment: In silico analysis supports that this missense variant has a deleterious effect on protein structure/function; Has not been previously published as pathogenic or benign to our knowledge

PreventionGenetics, part of Exact Sciences
Classification: Uncertain significance for GSDME-related condition. Last evaluated: 2025-06-24. Review status: criteria provided, single submitter. Criteria: ACMG Guidelines, 2015. Collection method: clinical testing. Allele origin: germline.
Comment: The GSDME c.553G>A variant is predicted to result in the amino acid substitution p.Gly185Ser. To our knowledge, this variant has not been reported in the literature. This variant is reported in 0.0056% of alleles in individuals of Latino descent in gnomAD. At this time, the clinical significance of this variant is uncertain due to the absence of conclusive functional and genetic evidence.

Ambry Genetics
Classification: Uncertain significance for Inborn genetic diseases. Last evaluated: 2021-06-23. Review status: criteria provided, single submitter. Criteria: Ambry Variant Classification Scheme 2023. Collection method: clinical testing. Allele origin: germline.

Laboratory for Molecular Medicine, Mass General Brigham Personalized Medicine
Classification: Uncertain significance. Last evaluated: 2014-07-22. Review status: criteria provided, single submitter. Criteria: LMM Criteria. Collection method: clinical testing. Allele origin: germline. Observed: 2 variant alleles.
Comment: The p.Gly185Ser variant in DFNA5 has not been previously reported in individuals with hearing loss, but has been identified in 1/8600 of European American chrom osomes by the NHLBI Exome Sequencing Project (dbSNP rs376265514). Computational prediction tools and conservation analysis do not provide strong support for or against an impact to the protein. In summary, the clinical significance of the p.Gly185Ser variant is uncertain.